The following is an entry in ClinVar:

NM_002016.2(FLG):c.9815_9818del (p.Arg3272fs)

Genes: CCDST (cervical cancer associated DHX9 suppressive transcript; plus strand), FLG (filaggrin; minus strand). Cytogenetic location: 1q21.3.
Variant type: Deletion.
Coding change: c.9815_9818del on transcript NM_002016.2 (MANE Select); coding-DNA positions 9815 to 9818, 4 bases deleted (GACA; older notation c.9815_9818delGACA).
Protein change: p.Arg3272fs; shifts the reading frame from arginine 3272.
Molecular consequence: frameshift variant.
Genome position (GRCh38, 1-based): chr1:152,305,068-152,305,071, TGTC deleted on the plus strand (GACA on the coding strand, the reverse complement: FLG is on the minus strand); deleting any 4 consecutive bases within chr1:152,305,068-152,305,073 gives the same sequence; the c. name uses the placement nearest the transcript's 3' end. VCF-style (leftmost placement, unchanged base first): chr1-152305067-TTGTC-T. GRCh37 (hg19) VCF-style: chr1-152277543-TTGTC-T.
Other names: short protein forms R3272fs.
Identifiers: ClinVar variation 817211 (VCV000817211.3), dbSNP rs769826402, ClinGen allele CA1103661.

ClinVar aggregate classification (germline): Pathogenic/Likely pathogenic. Review status: criteria provided, multiple submitters, no conflicts (2 of 4 stars). 3 submissions from 3 submitters: Pathogenic (2); Likely pathogenic (1). Last evaluated 2024-04-12.

Conditions:
Ichthyosis vulgaris. Also called: ICHTHYOSIS SIMPLEX; Dominant ichthyosis vulgaris. Identifiers: MedGen C0079584, MONDO:0024304, OMIM 146700.
FLG-related disorder. Also called: FLG-related disorders; FLG-related condition.

Submissions (3):

Blueprint Genetics
Classification: Likely pathogenic for FLG-related disorders. Last evaluated: 2024-04-12. Review status: criteria provided, single submitter. Criteria: ACMG Guidelines, 2015. Collection method: clinical testing. Allele origin: germline. Affected: yes. Observed: 2 variant alleles.

Victorian Clinical Genetics Services, Murdoch Childrens Research Institute
Classification: Pathogenic for Ichthyosis vulgaris. Last evaluated: 2022-02-02. Review status: criteria provided, single submitter. Criteria: ACMG Guidelines, 2015. Collection method: clinical testing. Allele origin: germline. Affected: yes.
Comment: Based on the classification scheme VCGS_Germline_v1.3.4, this variant is classified as Pathogenic. Following criteria are met: 0102 - Loss of function is a known mechanism of disease in this gene and is associated with ichthyosis vulgaris (MIM#146700). (I) 0108 - This gene is associated with both recessive and dominant disease. Biallelic truncating variants tend to result in a more severe condition (PMIDs: 17291859, 30681730). (I) 0112 - The condition associated with this gene has incomplete penetrance. Heterozygous carriers are more likely to be asymptomatic than individuals with biallelic variants (PMIDs: 17291859, 30681730). (I) 0205 - Variant is predicted to result in a truncated protein (premature termination codon is NOT located at least 54 nucleotides upstream of the final exon-exon junction) with less than 1/3 of the protein sequence affected. (SP) 0251 - This variant is heterozygous. (I) 0304 - Variant is present in gnomAD v2 <0.01 for a condition (9 heterozygotes, 1 homozygote). (SP) 0701 - Other truncating variants comparable to the one identified in this case have very strong previous evidence for pathogenicity (DECIPHER). (SP) 0803 - This variant has limited previous evidence of pathogenicity in an unrelated individual (Clinvar). (SP) 0905 - No published segregation evidence has been identified for this variant. (I) 1007 - No published functional evidence has been identified for this variant. (I) 1208 - Inheritance information for this variant is not currently available in this individual. (I) Legend: (SP) - Supporting pathogenic, (I) - Information, (SB) - Supporting benign

GeneDx
Classification: Pathogenic. Last evaluated: 2018-08-22. Review status: criteria provided, single submitter. Criteria: GeneDx Variant Classification (06012015). Collection method: clinical testing. Allele origin: germline. Affected: yes.
Comment: The c.9815_9818delGACA variant in the FLG gene has not been reported previously as a pathogenic variant nor as a benign variant, to our knowledge. The c.9815_9818delGACA variant causes a frameshift starting with codon Arginine 3272, changes this amino acid to a Asparagine residue, and creates a premature Stop codon at position 118 of the new reading frame, denoted p.Arg3272AsnfsX118. This variant is predicted to cause loss of normal protein function through protein truncation. The c.9815_9818delGACA variant is observed in 9/30780 (0.03%) alleles from individuals of South Asian background, including one homozygous individual, in large population cohorts (Lek et al., 2016). We interpret c.9815_9818delGACA as a pathogenic variant.

Literature cited by the submitters: PubMed 17291859 (cited by Victorian Clinical Genetics Services, Murdoch Childrens Research Institute); PubMed 30681730 (cited by Victorian Clinical Genetics Services, Murdoch Childrens Research Institute).